The following is an entry in ClinVar:

NM_001854.4(COL11A1):c.3470C>T (p.Pro1157Leu)

Gene: COL11A1 (collagen type XI alpha 1 chain; minus strand). Cytogenetic location: 1p21.1.
Variant type: single nucleotide variant.
Coding change: c.3470C>T on transcript NM_001854.4 (MANE Select); coding-DNA position 3470, C replaced by T.
Protein change: p.Pro1157Leu; replaces proline 1157 with leucine.
Molecular consequence: missense variant. On other transcripts: non-coding transcript variant (1).
Genome position (GRCh38, 1-based): chr1:102,935,082, G>A on the plus strand (C>T on the coding strand, the complement: COL11A1 is on the minus strand). VCF-style: chr1-102935082-G-A. GRCh37 (hg19) VCF-style: chr1-103400638-G-A.
Other names: c.3353C>T, p.Pro1118Leu (NM_001190709.2); c.3506C>T, p.Pro1169Leu (NM_080629.3); c.3122C>T, p.Pro1041Leu (NM_080630.4); short protein forms P1041L, P1118L, P1157L, P1169L.
Identifiers: ClinVar variation 4743426 (VCV004743426.1).

ClinVar aggregate classification (germline): Uncertain significance (1 of 4 stars; one submission).

Submission:

Labcorp Genetics (formerly Invitae), Labcorp
Classification: Uncertain significance. Last evaluated: 2025-04-17. Review status: criteria provided, single submitter. Criteria: Invitae Variant Classification Sherloc (09022015). Collection method: clinical testing. Allele origin: germline.
Comment: This sequence change replaces proline, which is neutral and non-polar, with leucine, which is neutral and non-polar, at codon 1157 of the COL11A1 protein (p.Pro1157Leu). This variant is not present in population databases (gnomAD no frequency). This variant has not been reported in the literature in individuals affected with COL11A1-related conditions. Invitae Evidence Modeling of protein sequence and biophysical properties (such as structural, functional, and spatial information, amino acid conservation, physicochemical variation, residue mobility, and thermodynamic stability) indicates that this missense variant is not expected to disrupt COL11A1 protein function with a negative predictive value of 80%. In summary, the available evidence is currently insufficient to determine the role of this variant in disease. Therefore, it has been classified as a Variant of Uncertain Significance.